The following is an entry in ClinVar:

NM_032444.4(SLX4):c.4109G>A (p.Ser1370Asn)

Gene: SLX4 (SLX4 structure-specific endonuclease subunit; minus strand). Cytogenetic location: 16p13.3.
Variant type: single nucleotide variant.
Coding change: c.4109G>A on transcript NM_032444.4 (MANE Select); coding-DNA position 4109, G replaced by A.
Protein change: p.Ser1370Asn; replaces serine 1370 with asparagine.
Molecular consequence: missense variant.
Genome position (GRCh38, 1-based): chr16:3,589,529, C>T on the plus strand (G>A on the coding strand, the complement: SLX4 is on the minus strand). VCF-style: chr16-3589529-C-T. GRCh37 (hg19) VCF-style: chr16-3639530-C-T.
Other names: c.4109G>A (NM_032444.2); short protein forms S1370N.
Identifiers: ClinVar variation 1498245 (VCV001498245.9), dbSNP rs747599109, ClinGen allele CA276958506.
Genomic context (GRCh38, chr16:3,589,529, plus strand): 5'-CCCGCTGGGGTCTGGTTCAGGAAGCTTGGCCCAGGCGGCGAGTGTTTCAGGAACCGCCTG[C>T]TGAAGTGGGCGCGGTCCCCTGAGATGGGATGTGGAGCCAGCGGAGAGGAGTGCGGGTGGC-3'
Protein context (NP_115820.2, residues 1360-1380): HPISGDRAHF[Ser1370Asn]RRFLKHSPPG

ClinVar aggregate classification (germline): Uncertain significance. Review status: criteria provided, multiple submitters, no conflicts (2 of 4 stars). 2 submissions from 2 submitters: Uncertain significance (2). Last evaluated 2024-08-28.

Conditions:
Inborn genetic diseases. Identifiers: MedGen C0950123, MeSH D030342.
Fanconi anemia (FA). Also called: Fanconi's anemia. Identifiers: Orphanet 84, MedGen C0015625, MeSH D005199, MONDO:0019391.

Allele frequency attached by ClinVar (database versions not stated): gnomAD exomes below 0.00001; gnomAD 0.00003 and 0.00004; TOPMed 0.00005.
gnomAD v4.1: 8 of 1,609,870 alleles (0.0005%); highest among the groups gnomAD compares: African/African-American, 0.011%; no homozygotes.

Submissions (2):

Ambry Genetics
Classification: Uncertain significance for Inborn genetic diseases. Last evaluated: 2024-08-28. Review status: criteria provided, single submitter. Criteria: Ambry Variant Classification Scheme 2023. Collection method: clinical testing. Allele origin: germline.

Labcorp Genetics (formerly Invitae), Labcorp
Classification: Uncertain significance for Fanconi anemia. Last evaluated: 2022-08-23. Review status: criteria provided, single submitter. Criteria: Invitae Variant Classification Sherloc (09022015). Collection method: clinical testing. Allele origin: germline.
Comment: This sequence change replaces serine, which is neutral and polar, with asparagine, which is neutral and polar, at codon 1370 of the SLX4 protein (p.Ser1370Asn). The frequency data for this variant in the population databases is considered unreliable, as metrics indicate poor data quality at this position in the gnomAD database. This variant has not been reported in the literature in individuals affected with SLX4-related conditions. ClinVar contains an entry for this variant (Variation ID: 1498245). Algorithms developed to predict the effect of missense changes on protein structure and function (SIFT, PolyPhen-2, Align-GVGD) all suggest that this variant is likely to be tolerated. In summary, the available evidence is currently insufficient to determine the role of this variant in disease. Therefore, it has been classified as a Variant of Uncertain Significance.